The following is an entry in ClinVar:

ClinVar aggregate classification (germline): Uncertain significance (1 of 4 stars; one submission).

Conditions:
Cardiomyopathy (CMYO). Also called: Cardiomyopathies. Identifiers: Orphanet 167848, MedGen C0878544, MONDO:0004994, HP:0001638. Inheritance: Various modes of inheritance.

Submission:

Color Diagnostics, LLC DBA Color Health
Classification: Uncertain significance for Cardiomyopathy. Last evaluated: 2023-12-05. Review status: criteria provided, single submitter. Criteria: ACMG Guidelines, 2015. Collection method: clinical testing. Allele origin: germline.
Comment: This missense variant replaces glutamic acid with lysine at codon 1574 of the RYR2 protein. Computational prediction tools and conservation analyses are inconclusive regarding the impact of this variant on the protein function. Computational splicing tools suggest that this variant may impact RNA splicing. To our knowledge, functional assays have not been performed for this variant nor has this variant been reported in individuals affected with cardiovascular disorders in the literature. This variant has not been identified in the general population by the Genome Aggregation Database (gnomAD). Available evidence is insufficient to determine the role of this variant in disease conclusively. Therefore, this variant is classified as a Variant of Uncertain Significance.

NM_001035.3(RYR2):c.4720G>A (p.Glu1574Lys)

Gene: RYR2 (ryanodine receptor 2; plus strand). Cytogenetic location: 1q43.
Variant type: single nucleotide variant.
Coding change: c.4720G>A on transcript NM_001035.3 (MANE Select); coding-DNA position 4720, G replaced by A.
Protein change: p.Glu1574Lys; replaces glutamic acid 1574 with lysine.
Molecular consequence: missense variant.
Genome position (GRCh38, 1-based): chr1:237,610,798, G>A. VCF-style: chr1-237610798-G-A. GRCh37 (hg19) VCF-style: chr1-237774098-G-A.
Other names: short protein forms E1574K.
Identifiers: ClinVar variation 926269 (VCV000926269.5), dbSNP rs1677761241, ClinGen allele CA345402291.
Genomic context (GRCh38, chr1:237,610,798, plus strand): 5'-TTTTTCTGCCTCCCCATCCGCTAGAATGTGATGCCTCTCTCGGCGGGATTATTCAAGAGT[G>A]AGCACAAGAACCCCGTGCCGCAGTGCCCCCCGCGCCTCCACGTGCAGTTCCTGTCACACG-3'
Protein context (NP_001026.2, residues 1564-1584): MPLSAGLFKS[Glu1574Lys]HKNPVPQCPP